The following is an entry in ClinVar:

NM_000238.4(KCNH2):c.3049G>A (p.Ala1017Thr)

Gene: KCNH2 (potassium voltage-gated channel subfamily H member 2; minus strand). Cytogenetic location: 7q36.1.
Variant type: single nucleotide variant.
Coding change: c.3049G>A on transcript NM_000238.4 (MANE Select); coding-DNA position 3049, G replaced by A.
Protein change: p.Ala1017Thr; replaces alanine 1017 with threonine.
Molecular consequence: missense variant.
Genome position (GRCh38, 1-based): chr7:150,947,431, C>T on the plus strand (G>A on the coding strand, the complement: KCNH2 is on the minus strand). VCF-style: chr7-150947431-C-T. GRCh37 (hg19) VCF-style: chr7-150644519-C-T.
Other names: c.2761G>A, p.Ala921Thr (NM_001406753.1); c.2029G>A, p.Ala677Thr (NM_172057.3); short protein forms A1017T, A677T, A921T.
Identifiers: ClinVar variation 1799223 (VCV001799223.9), dbSNP rs950543448, ClinGen allele CA369852815.
Genomic context (GRCh38, chr7:150,947,431, plus strand): 5'-CGCCCCGGGGCCGCCGACCCGGGCTGGAGAGGGGGATGTTGAGGAGGCTGGGGGTGGGGG[C>T]GGGGCATCGAGGGAGCTCCTGGTACTGGCGGCCCCGACTGTCCCCCCAGAAGCTGAAAAT-3'
Protein context (NP_000229.1, residues 1007-1027): RQYQELPRCP[Ala1017Thr]PTPSLLNIPL

ClinVar aggregate classification (germline): Uncertain significance. Review status: criteria provided, multiple submitters, no conflicts (2 of 4 stars). 4 submissions from 4 submitters: Uncertain significance (4). Last evaluated 2025-11-22.

Conditions:
Cardiac arrhythmia. Also called: Arrhythmia; Cardiac rhythm disease. Identifiers: MedGen C0003811, MONDO:0007263, HP:0011675.
Cardiovascular phenotype. Identifiers: MedGen CN230736.
Long QT syndrome (LQTS). Identifiers: MedGen C0023976, MeSH D008133, MONDO:0002442. Disease mechanism: loss of function. Inheritance: Various modes of inheritance.

gnomAD v4.1: 9 of 1,444,996 alleles (0.00062%); highest among the groups gnomAD compares: Admixed American, 0.002%; no homozygotes.

Submissions (4):

Labcorp Genetics (formerly Invitae), Labcorp
Classification: Uncertain significance for Long QT syndrome. Last evaluated: 2025-11-22. Review status: criteria provided, single submitter. Criteria: Invitae Variant Classification Sherloc (09022015). Collection method: clinical testing. Allele origin: germline.
Comment: This sequence change replaces alanine, which is neutral and non-polar, with threonine, which is neutral and polar, at codon 1017 of the KCNH2 protein (p.Ala1017Thr). The frequency data for this variant in the population databases is considered unreliable, as metrics indicate poor data quality at this position in the gnomAD database. This variant has not been reported in the literature in individuals affected with KCNH2-related conditions. ClinVar contains an entry for this variant (Variation ID: 1799223). An algorithm developed to predict the effect of missense changes on protein structure and function outputs the following: PolyPhen-2: "Benign". The threonine amino acid residue is found in multiple mammalian species, which suggests that this missense change does not adversely affect protein function. In summary, the available evidence is currently insufficient to determine the role of this variant in disease. Therefore, it has been classified as a Variant of Uncertain Significance.

All of Us Research Program, National Institutes of Health
Classification: Uncertain significance for Long QT syndrome. Last evaluated: 2024-05-30. Review status: criteria provided, single submitter. Criteria: ACMG Guidelines, 2015. Collection method: clinical testing. Allele origin: germline. Inheritance: Autosomal dominant inheritance. Observed: 3 variant alleles, 3 heterozygotes.
Comment: This missense variant replaces alanine with threonine at codon 1017 of the KCNH2 protein. Computational prediction is inconclusive regarding the impact of this variant on protein structure and function (internally defined REVEL score threshold 0.5 < inconclusive < 0.7, PMID: 27666373). To our knowledge, functional studies have not been reported for this variant. This variant has not been reported in individuals affected with KCNH2-related disorders in the literature. This variant has been identified in 2/156338 chromosomes in the general population by the Genome Aggregation Database (gnomAD). The available evidence is insufficient to determine the role of this variant in disease conclusively. Therefore, this variant is classified as a Variant of Uncertain Significance.

This study involves interpretation of variants in research participants for the purpose of population health screening. Participant phenotype was not available at the time of variant classification. Additional details can be found in publication PMID: 35346344, PMCID: PMC8962531

Color Diagnostics, LLC DBA Color Health
Classification: Uncertain significance for Cardiac arrhythmia. Last evaluated: 2024-05-07. Review status: criteria provided, single submitter. Criteria: ACMG Guidelines, 2015. Collection method: clinical testing. Allele origin: germline.
Comment: This missense variant replaces alanine with threonine at codon 1017 of the KCNH2 protein. Computational prediction is inconclusive regarding the impact of this variant on protein structure and function. To our knowledge, functional studies have not been reported for this variant. This variant has not been reported in individuals affected with KCNH2-related disorders in the literature. This variant has been identified in 2/156338 chromosomes in the general population by the Genome Aggregation Database (gnomAD). The available evidence is insufficient to determine the role of this variant in disease conclusively. Therefore, this variant is classified as a Variant of Uncertain Significance.

Ambry Genetics
Classification: Uncertain significance for Cardiovascular phenotype. Last evaluated: 2022-04-21. Review status: criteria provided, single submitter. Criteria: Ambry Variant Classification Scheme 2023. Collection method: clinical testing. Allele origin: germline.
Comment: The p.A1017T variant (also known as c.3049G>A), located in coding exon 13 of the KCNH2 gene, results from a G to A substitution at nucleotide position 3049. The alanine at codon 1017 is replaced by threonine, an amino acid with similar properties. This amino acid position is not well conserved in available vertebrate species. In addition, the in silico prediction for this alteration is inconclusive. Since supporting evidence is limited at this time, the clinical significance of this alteration remains unclear.